The following is an entry in ClinVar:

ClinVar aggregate classification (germline): Uncertain significance (1 of 4 stars; one submission).

Conditions:
Acyl-CoA oxidase deficiency. Also called: Pseudoneonatal adrenoleukodystrophy; Peroxisomal acyl-CoA oxidase deficiency; STRAIGHT-CHAIN ACYL-CoA OXIDASE DEFICIENCY. Identifiers: Orphanet 2971, MedGen C1849678, MONDO:0009919, OMIM 264470. Disease mechanism: loss of function.

Submission:

Neuberg Centre For Genomic Medicine, NCGM
Classification: Uncertain significance for Acyl-CoA oxidase deficiency. Review status: criteria provided, single submitter. Criteria: ACMG Guidelines, 2015. Collection method: clinical testing. Allele origin: germline. Inheritance: Autosomal recessive inheritance. Affected: yes.
Comment: The missense variant p.S405N in ACOX1 (NM_004035.7) has not been reported previously as a pathogenic variant nor as a benign variant, to our knowledge. The p.S405N variant is novel (not in any individuals) in gnomAD Exomes and is novel (not in any individuals) in 1000 Genomes. The p.S405N missense variant is predicted to be damaging by both SIFT and PolyPhen2. The serine residue at codon 405 of ACOX1 is conserved in all mammalian species. The nucleotide c.1214 in ACOX1 is predicted conserved by GERP++ and PhyloP across 100 vertebrates. For these reasons, this variant has been classified as Uncertain Significance.

NM_004035.7(ACOX1):c.1214G>A (p.Ser405Asn)

Gene: ACOX1 (acyl-CoA oxidase 1; minus strand). Cytogenetic location: 17q25.1.
Variant type: single nucleotide variant.
Coding change: c.1214G>A on transcript NM_004035.7 (MANE Select); coding-DNA position 1214, G replaced by A.
Protein change: p.Ser405Asn; replaces serine 405 with asparagine.
Molecular consequence: missense variant.
Genome position (GRCh38, 1-based): chr17:75,950,858, C>T on the plus strand (G>A on the coding strand, the complement: ACOX1 is on the minus strand). VCF-style: chr17-75950858-C-T. GRCh37 (hg19) VCF-style: chr17-73946939-C-T.
Other names: c.1100G>A, p.Ser367Asn (NM_001185039.2); c.1214G>A, p.Ser405Asn (NM_007292.6); short protein forms S367N, S405N.
Identifiers: ClinVar variation 2627393 (VCV002627393.1), dbSNP rs2546075889, ClinGen allele CA401062817.
Genomic context (GRCh38, chr17:75,950,858, plus strand): 5'-GTGTTTTCTCCCTCAAAGGTACAGCTTGGGGTGAAATTGACATAAATATTTGGAAGACCA[C>T]TGCAATGAGAATAGCCATGCCCACCACAAGCCATCCGACATGCTTCAATGCCAGTGTTTG-3'
Protein context (NP_004026.2, residues 395-415): ACGGHGYSHC[Ser405Asn]GLPNIYVNFT